The following is an entry in ClinVar:

NM_006939.4(SOS2):c.1586C>T (p.Ala529Val)

Gene: SOS2 (SOS Ras/Rho guanine nucleotide exchange factor 2; minus strand). Cytogenetic location: 14q21.3.
Variant type: single nucleotide variant.
Coding change: c.1586C>T on transcript NM_006939.4 (MANE Select); coding-DNA position 1586, C replaced by T.
Protein change: p.Ala529Val; replaces alanine 529 with valine.
Molecular consequence: missense variant.
Genome position (GRCh38, 1-based): chr14:50,159,697, G>A on the plus strand (C>T on the coding strand, the complement: SOS2 is on the minus strand). VCF-style: chr14-50159697-G-A. GRCh37 (hg19) VCF-style: chr14-50626415-G-A.
Other names: c.1487C>T, p.Ala496Val (NM_001411020.1); short protein forms A529V, A496V.
Identifiers: ClinVar variation 2085666 (VCV002085666.4), dbSNP rs2502989465, ClinGen allele CA389645430.

ClinVar aggregate classification (germline): Uncertain significance (1 of 4 stars; one submission).

Conditions:
Noonan syndrome 9 (NS9). Identifiers: Orphanet 648, MedGen C4225282, MONDO:0014691, OMIM 616559.

Submission:

Labcorp Genetics (formerly Invitae), Labcorp
Classification: Uncertain significance for Noonan syndrome 9. Last evaluated: 2022-07-19. Review status: criteria provided, single submitter. Criteria: Invitae Variant Classification Sherloc (09022015). Collection method: clinical testing. Allele origin: germline.
Comment: In summary, the available evidence is currently insufficient to determine the role of this variant in disease. Therefore, it has been classified as a Variant of Uncertain Significance. Advanced modeling of protein sequence and biophysical properties (such as structural, functional, and spatial information, amino acid conservation, physicochemical variation, residue mobility, and thermodynamic stability) performed at Invitae indicates that this missense variant is not expected to disrupt SOS2 protein function. This variant has not been reported in the literature in individuals affected with SOS2-related conditions. This variant is not present in population databases (gnomAD no frequency). This sequence change replaces alanine, which is neutral and non-polar, with valine, which is neutral and non-polar, at codon 529 of the SOS2 protein (p.Ala529Val).